The following is an entry in ClinVar:

NM_000297.4(PKD2):c.247_250dup (p.Arg84fs)

Genes: PKD2 (polycystin 2, transient receptor potential cation channel; plus strand), LOC129992813 (ATAC-STARR-seq lymphoblastoid silent region 15559; plus strand). Cytogenetic location: 4q22.1.
Variant type: Duplication.
Coding change: c.247_250dup on transcript NM_000297.4 (MANE Select); coding-DNA positions 247 to 250, 4 bases duplicated (TCCC; older notation c.247_250dupTCCC).
Protein change: p.Arg84fs; shifts the reading frame from arginine 84.
Molecular consequence: frameshift variant. On other transcripts: non-coding transcript variant (1).
Genome position (GRCh38, 1-based): chr4:88,007,980-88,007,983, TCCC duplicated; duplicating any 4 consecutive bases within chr4:88,007,979-88,007,983 gives the same sequence; the c. name uses the placement nearest the transcript's 3' end. VCF-style (leftmost placement, unchanged base first): chr4-88007978-G-GCTCC. GRCh37 (hg19) VCF-style: chr4-88929130-G-GCTCC.
Other names: c.247_250dup, p.Arg84fs (NM_001440544.1); short protein forms R84fs.
Identifiers: ClinVar variation 5018773 (VCV005018773.1).
Genomic context (GRCh38, chr4:88,007,978, plus strand): 5'-CGGCCGCGCGGGACCCCCCGGCCGGAGCCGCGGCCTCCCCTTCTCCTCCGCTCTCGTCGT[G>GCTCC]CTCCCGGCAGGCGTGGAGCCGCGATAACCCCGGCTTCGAGGCCGAGGAGGAGGAGGAGGA-3'

ClinVar aggregate classification (germline): Pathogenic (1 of 4 stars; one submission).

Conditions:
Polycystic kidney disease 2 (PKD2). Also called: POLYCYSTIC KIDNEY DISEASE, ADULT, TYPE II; Polycystic Kidney Disease 2, Autosomal Dominant; POLYCYSTIC KIDNEY DISEASE 2 WITH OR WITHOUT POLYCYSTIC LIVER DISEASE. Identifiers: MedGen C2751306, MONDO:0013131, OMIM 613095.

Submission:

Juno Genomics, Hangzhou Juno Genomics, Inc
Classification: Pathogenic for Polycystic kidney disease 2. Review status: criteria provided, single submitter. Criteria: ACMG Guidelines, 2015. Collection method: clinical testing. Allele origin: germline. Affected: yes.
Comment: Absent from controls (or at extremely low frequency if recessive) in Genome Aggregation Database.;Null variant in a gene where loss of function (LOF) is a known mechanism of disease.;Patient's phenotype or family history is highly specific for a disease with a single genetic etiology.